The following is an entry in ClinVar:

ClinVar aggregate classification (germline): Uncertain significance (1 of 4 stars; one submission).

Submission:

GeneDx
Classification: Uncertain significance. Last evaluated: 2025-07-26. Review status: criteria provided, single submitter. Criteria: GeneDx Variant Classification Process June 2021. Collection method: clinical testing. Allele origin: germline. Affected: yes.
Comment: Not observed at significant frequency in large population cohorts (gnomAD); In silico analysis supports that this missense variant has a deleterious effect on protein structure/function; Has not been previously published as pathogenic or benign to our knowledge

NM_001012426.2(FOXP4):c.1402C>A (p.Pro468Thr)

Gene: FOXP4 (forkhead box P4; plus strand). Cytogenetic location: 6p21.1.
Variant type: single nucleotide variant.
Coding change: c.1402C>A on transcript NM_001012426.2 (MANE Select); coding-DNA position 1402, C replaced by A.
Protein change: p.Pro468Thr; replaces proline 468 with threonine.
Molecular consequence: missense variant.
Genome position (GRCh38, 1-based): chr6:41,590,315, C>A. VCF-style: chr6-41590315-C-A. GRCh37 (hg19) VCF-style: chr6-41558053-C-A.
Other names: c.1396C>A, p.Pro466Thr (NM_001012427.2); c.1366C>A, p.Pro456Thr (NM_001405824.1); c.1306C>A, p.Pro436Thr (NM_001405825.1); c.1270C>A, p.Pro424Thr (NM_001405826.1); c.1363C>A, p.Pro455Thr (NM_138457.3); short protein forms P424T, P436T, P455T, P456T, P466T, P468T.
Identifiers: ClinVar variation 4687098 (VCV004687098.1).
Genomic context (GRCh38, chr6:41,590,315, plus strand): 5'-CTGCCTGTCTCCCCAGAGCTGGCCCAGAATCATGAGTTCTACAAGAACGCCGACGTCCGG[C>A]CCCCCTTCACCTACGCCTCCCTCATCCGCCAGGTGAGCAGGGCAGGTAGGAGGAGGGTGG-3'
Protein context (NP_001012426.1, residues 458-478): HEFYKNADVR[Pro468Thr]PFTYASLIRQ